The following is an entry in ClinVar:

ClinVar aggregate classification (germline): Conflicting classifications of pathogenicity. Review status: criteria provided, conflicting classifications (1 of 4 stars). 2 submissions from 2 submitters: Uncertain significance (1); Likely benign (1). Last evaluated 2025-11-19.

Conditions:
Hereditary cancer-predisposing syndrome. Also called: Neoplastic Syndromes, Hereditary; Tumor predisposition; Hereditary neoplastic syndrome; Hereditary Cancer Syndrome. Identifiers: Orphanet 140162, MedGen C0027672, MeSH D009386, MONDO:0015356.

Submissions (2):

Ambry Genetics
Classification: Uncertain significance for Hereditary cancer-predisposing syndrome. Last evaluated: 2025-11-19. Review status: criteria provided, single submitter. Criteria: Ambry Variant Classification Scheme 2023. Collection method: clinical testing. Allele origin: germline.
Comment: The p.S1830F variant (also known as c.5489C>T), located in coding exon 10 of the BRCA2 gene, results from a C to T substitution at nucleotide position 5489. The serine at codon 1830 is replaced by phenylalanine, an amino acid with highly dissimilar properties. This amino acid position is poorly conserved in available vertebrate species. In addition, this alteration is predicted to be tolerated by in silico analysis. Since supporting evidence is limited at this time, the clinical significance of this alteration remains unclear.

University of Washington Department of Laboratory Medicine, University of Washington
Classification: Likely benign for Hereditary cancer-predisposing syndrome. Last evaluated: 2023-03-23. Review status: criteria provided, single submitter. Criteria: Dines et al. (Genet Med. 2020). Collection method: curation. Allele origin: germline.
Comment: Missense variant in a coldspot region where missense variants are very unlikely to be pathogenic (PMID:31911673).

BRCA2 exon 11 coldspot. Reclassification based on statistical prior probability.

NM_000059.4(BRCA2):c.5489C>T (p.Ser1830Phe)

Gene: BRCA2 (BRCA2 DNA repair associated; plus strand). Cytogenetic location: 13q13.1.
Variant type: single nucleotide variant.
Coding change: c.5489C>T on transcript NM_000059.4 (MANE Select); coding-DNA position 5489, C replaced by T.
Protein change: p.Ser1830Phe; replaces serine 1830 with phenylalanine.
Molecular consequence: missense variant.
Genome position (GRCh38, 1-based): chr13:32,339,844, C>T. VCF-style: chr13-32339844-C-T. GRCh37 (hg19) VCF-style: chr13-32913981-C-T.
Other names: short protein forms S1830F.
Identifiers: ClinVar variation 825767 (VCV000825767.7), dbSNP rs1593905616, ClinGen allele CA387785755.